The following is an entry in ClinVar:

NM_003628.6(PKP4):c.2129A>G (p.Gln710Arg)

Genes: PKP4 (plakophilin 4; plus strand), PKP4-AS1 (PKP4 antisense RNA 1; minus strand). Cytogenetic location: 2q24.1.
Variant type: single nucleotide variant.
Coding change: c.2129A>G on transcript NM_003628.6 (MANE Select); coding-DNA position 2129, A replaced by G.
Protein change: p.Gln710Arg; replaces glutamine 710 with arginine.
Molecular consequence: missense variant. On other transcripts: non-coding transcript variant (1).
Genome position (GRCh38, 1-based): chr2:158,661,368, A>G. VCF-style: chr2-158661368-A-G. GRCh37 (hg19) VCF-style: chr2-159517880-A-G.
Other names: c.2129A>G, p.Gln710Arg (NM_001005476.4, NM_001304971.2, NM_001377218.1 and 1 more transcripts); c.2126A>G, p.Gln709Arg (NM_001304969.3, NM_001377219.1, NM_001377220.1 and 2 more transcripts); c.1100A>G, p.Gln367Arg (NM_001304970.3); c.2123A>G, p.Gln708Arg (NM_001377222.1, NM_001377223.1); c.2120A>G, p.Gln707Arg (NM_001377224.1); short protein forms Q367R, Q707R, Q708R, Q710R, Q709R.
Identifiers: ClinVar variation 2561555 (VCV002561555.2), dbSNP rs879077946, ClinGen allele CA58636838.

ClinVar aggregate classification (germline): Uncertain significance (1 of 4 stars; one submission).

Allele frequency attached by ClinVar (database versions not stated): TOPMed below 0.00001; gnomAD 0.00002.
gnomAD v4.1: 3 of 1,613,776 alleles (0.00019%); highest among the groups gnomAD compares: African/African-American, 0.004%; no homozygotes.

Submission:

Ambry Genetics
Classification: Uncertain significance. Last evaluated: 2023-04-14. Review status: criteria provided, single submitter. Criteria: Ambry Variant Classification Scheme 2023. Collection method: clinical testing. Allele origin: germline.
Comment: The p.Q710R variant (also known as c.2129A>G), located in coding exon 12 of the PKP4 gene, results from an A to G substitution at nucleotide position 2129. The glutamine at codon 710 is replaced by arginine, an amino acid with highly similar properties. This amino acid position is conserved. In addition, the in silico prediction for this alteration is inconclusive. Since supporting evidence is limited at this time, the clinical significance of this alteration remains unclear.